The following is an entry in ClinVar:

NM_198525.3(KIF7):c.736T>C (p.Ser246Pro)

Gene: KIF7 (kinesin family member 7; minus strand). Cytogenetic location: 15q26.1.
Variant type: single nucleotide variant.
Coding change: c.736T>C on transcript NM_198525.3 (MANE Select); coding-DNA position 736, T replaced by C.
Protein change: p.Ser246Pro; replaces serine 246 with proline.
Molecular consequence: missense variant.
Genome position (GRCh38, 1-based): chr15:89,649,161, A>G on the plus strand (T>C on the coding strand, the complement: KIF7 is on the minus strand). VCF-style: chr15-89649161-A-G. GRCh37 (hg19) VCF-style: chr15-90192392-A-G.
Other names: short protein forms S246P.
Identifiers: ClinVar variation 2124979 (VCV002124979.4), dbSNP rs2505499037, ClinGen allele CA393775110.

ClinVar aggregate classification (germline): Uncertain significance (1 of 4 stars; one submission).

Conditions:
Acrocallosal syndrome (ACLS). Also called: HALLUX DUPLICATION, POSTAXIAL POLYDACTYLY, AND ABSENCE OF CORPUS CALLOSUM; Schinzel syndrome 1; Absence of corpus callosum with unusual facial appearance, mental deficiency, duplication of the halluces and polydactyly. Identifiers: Orphanet 36, MedGen C0796147, MONDO:0008708, OMIM 200990.

gnomAD v4.1: 1 of 1,548,132 alleles (0.000065%); highest among the groups gnomAD compares: South Asian, 0.0012%; no homozygotes.

Submission:

Labcorp Genetics (formerly Invitae), Labcorp
Classification: Uncertain significance for Acrocallosal syndrome. Last evaluated: 2022-04-11. Review status: criteria provided, single submitter. Criteria: Invitae Variant Classification Sherloc (09022015). Collection method: clinical testing. Allele origin: germline.
Comment: This sequence change replaces serine, which is neutral and polar, with proline, which is neutral and non-polar, at codon 246 of the KIF7 protein (p.Ser246Pro). In summary, the available evidence is currently insufficient to determine the role of this variant in disease. Therefore, it has been classified as a Variant of Uncertain Significance. Algorithms developed to predict the effect of missense changes on protein structure and function are either unavailable or do not agree on the potential impact of this missense change (SIFT: "Deleterious"; PolyPhen-2: "Probably Damaging"; Align-GVGD: "Class C0"). This variant has not been reported in the literature in individuals affected with KIF7-related conditions. This variant is not present in population databases (gnomAD no frequency).